The following is an entry in ClinVar:

ClinVar aggregate classification (germline): Uncertain significance (1 of 4 stars; one submission).

Conditions:
Long QT syndrome (LQTS). Identifiers: MedGen C0023976, MeSH D008133, MONDO:0002442. Disease mechanism: loss of function. Inheritance: Various modes of inheritance.

gnomAD v4.1: 3 of 1,613,874 alleles (0.00019%); highest among the groups gnomAD compares: Admixed American, 0.0017%; no homozygotes.

Submission:

Labcorp Genetics (formerly Invitae), Labcorp
Classification: Uncertain significance for Long QT syndrome. Last evaluated: 2025-08-11. Review status: criteria provided, single submitter. Criteria: Invitae Variant Classification Sherloc (09022015). Collection method: clinical testing. Allele origin: germline.
Comment: This sequence change replaces proline, which is neutral and non-polar, with histidine, which is basic and polar, at codon 3572 of the AKAP9 protein (p.Pro3572His). This variant is present in population databases (rs771481702, gnomAD 0.003%). This variant has not been reported in the literature in individuals affected with AKAP9-related conditions. An algorithm developed to predict the effect of missense changes on protein structure and function outputs the following: PolyPhen-2: "Benign". The histidine amino acid residue is found in multiple mammalian species, which suggests that this missense change does not adversely affect protein function. Algorithms developed to predict the effect of sequence changes on RNA splicing suggest that this variant may create or strengthen a splice site. In summary, the available evidence is currently insufficient to determine the role of this variant in disease. Therefore, it has been classified as a Variant of Uncertain Significance.

NM_005751.5(AKAP9):c.10715C>A (p.Pro3572His)

Gene: AKAP9 (A-kinase anchoring protein 9; plus strand). Cytogenetic location: 7q21.2.
Variant type: single nucleotide variant.
Coding change: c.10715C>A on transcript NM_005751.5 (MANE Select); coding-DNA position 10715, C replaced by A.
Protein change: p.Pro3572His; replaces proline 3572 with histidine.
Molecular consequence: missense variant.
Genome position (GRCh38, 1-based): chr7:92,099,688, C>A. VCF-style: chr7-92099688-C-A. GRCh37 (hg19) VCF-style: chr7-91729002-C-A.
Other names: c.5360C>A, p.Pro1787His (NM_001379277.1); c.10691C>A, p.Pro3564His (NM_147185.3); short protein forms P1787H, P3572H, P3564H.
Identifiers: ClinVar variation 4724754 (VCV004724754.1).